The following is an entry in ClinVar:

ClinVar aggregate classification (germline): Uncertain significance (1 of 4 stars; one submission).

Conditions:
Adams-Oliver syndrome 5 (AOS5). Identifiers: Orphanet 974, MedGen C4014970, MONDO:0014459, OMIM 616028.

Allele frequency attached by ClinVar (database versions not stated): TOPMed below 0.00001.

Submission:

Labcorp Genetics (formerly Invitae), Labcorp
Classification: Uncertain significance for Adams-Oliver syndrome 5. Last evaluated: 2019-02-13. Review status: criteria provided, single submitter. Criteria: Invitae Variant Classification Sherloc (09022015). Collection method: clinical testing. Allele origin: germline.
Comment: In summary, the available evidence is currently insufficient to determine the role of this variant in disease. Therefore, it has been classified as a Variant of Uncertain Significance. Algorithms developed to predict the effect of missense changes on protein structure and function (SIFT, PolyPhen-2, Align-GVGD) all suggest that this variant is likely to be tolerated, but these predictions have not been confirmed by published functional studies and their clinical significance is uncertain. This variant has not been reported in the literature in individuals with NOTCH1-related conditions. This variant is not present in population databases (ExAC no frequency). This sequence change replaces alanine with threonine at codon 2553 of the NOTCH1 protein (p.Ala2553Thr). The alanine residue is moderately conserved and there is a small physicochemical difference between alanine and threonine.

NM_017617.5(NOTCH1):c.7657G>A (p.Ala2553Thr)

Gene: NOTCH1 (notch receptor 1; minus strand). Cytogenetic location: 9q34.3.
Variant type: single nucleotide variant.
Coding change: c.7657G>A on transcript NM_017617.5 (MANE Select); coding-DNA position 7657, G replaced by A.
Protein change: p.Ala2553Thr; replaces alanine 2553 with threonine.
Molecular consequence: missense variant.
Genome position (GRCh38, 1-based): chr9:136,496,082, C>T on the plus strand (G>A on the coding strand, the complement: NOTCH1 is on the minus strand). VCF-style: chr9-136496082-C-T. GRCh37 (hg19) VCF-style: chr9-139390534-C-T.
Other names: short protein forms A2553T.
Identifiers: ClinVar variation 857190 (VCV000857190.9), dbSNP rs182522714, ClinGen allele CA375625645.